The following is an entry in ClinVar:

NM_032444.4(SLX4):c.1868del (p.Leu623fs)

Gene: SLX4 (SLX4 structure-specific endonuclease subunit; minus strand). Cytogenetic location: 16p13.3.
Variant type: Deletion.
Coding change: c.1868del on transcript NM_032444.4 (MANE Select); coding-DNA position 1868, one base deleted (T; older notation c.1868delT).
Protein change: p.Leu623fs; shifts the reading frame from leucine 623.
Molecular consequence: frameshift variant.
Genome position (GRCh38, 1-based): chr16:3,596,209, A deleted on the plus strand (T on the coding strand, the reverse complement: SLX4 is on the minus strand). VCF-style (leftmost placement, unchanged base first): chr16-3596208-CA-C. GRCh37 (hg19) VCF-style: chr16-3646209-CA-C.
Other names: short protein forms L623fs.
Identifiers: ClinVar variation 2954772 (VCV002954772.3), dbSNP rs1257138996, ClinGen allele CA720541917.
Genomic context (GRCh38, chr16:3,596,208, plus strand): 5'-CTCACCTGCAGTCCCTTCCGAGCCAGCCAGGCCCCCACTGCCGGGCCACGGGCTGGCGCT[CA>C]GTCCCTCCCTCGCCAGGTCCACGAGGTCCTGCAGGGCCTGGTGCTCCCTCTGGCTGGCCG-3'

ClinVar aggregate classification (germline): Pathogenic (1 of 4 stars; one submission).

Conditions:
Fanconi anemia (FA). Also called: Fanconi's anemia. Identifiers: Orphanet 84, MedGen C0015625, MeSH D005199, MONDO:0019391.

Allele frequency attached by ClinVar (database versions not stated): TOPMed below 0.00001; gnomAD 0.00001.

Submission:

Labcorp Genetics (formerly Invitae), Labcorp
Classification: Pathogenic for Fanconi anemia. Last evaluated: 2023-09-04. Review status: criteria provided, single submitter. Criteria: Invitae Variant Classification Sherloc (09022015). Collection method: clinical testing. Allele origin: germline.
Comment: This sequence change creates a premature translational stop signal (p.Leu623Argfs*30) in the SLX4 gene. It is expected to result in an absent or disrupted protein product. Loss-of-function variants in SLX4 are known to be pathogenic (PMID: 21240277). This variant is not present in population databases (gnomAD no frequency). This variant has not been reported in the literature in individuals affected with SLX4-related conditions. For these reasons, this variant has been classified as Pathogenic.

Literature cited by the submitters: PubMed 21240277.